The following is an entry in ClinVar:

NM_001113491.2(SEPTIN9):c.375C>T (p.Ile125=)

Gene: SEPTIN9 (septin 9; plus strand). Cytogenetic location: 17q25.3.
Variant type: single nucleotide variant.
Coding change: c.375C>T on transcript NM_001113491.2 (MANE Select); coding-DNA position 375, C replaced by T.
Protein change: p.Ile125=; no amino-acid change (isoleucine 125 retained).
Molecular consequence: synonymous variant. On other transcripts: 5 prime UTR variant (2).
Genome position (GRCh38, 1-based): chr17:77,402,357, C>T. VCF-style: chr17-77402357-C-T. GRCh37 (hg19) VCF-style: chr17-75398439-C-T.
Other names: c.-118C>T (NM_001113494.1, NM_001113492.2); c.318C>T, p.Ile106= (NM_001293695.2); c.321C>T, p.Ile107= (NM_006640.5); c.354C>T, p.Ile118= (NM_001113493.2).
Identifiers: ClinVar variation 1682595 (VCV001682595.26), dbSNP rs573465338, ClinGen allele CA8793185.

ClinVar aggregate classification (germline): Likely benign. Review status: criteria provided, multiple submitters, no conflicts (2 of 4 stars). 3 submissions from 3 submitters: Likely benign (3). Last evaluated 2024-10-15.

Allele frequency attached by ClinVar (database versions not stated): gnomAD 0.00001; gnomAD exomes 0.00003 and 0.00006; TOPMed 0.00003; ExAC 0.00005; 1000 Genomes Project 0.00020; 1000 Genomes Project 30x 0.00031.
gnomAD v4.1: 41 of 1,612,298 alleles (0.0025%); highest among the groups gnomAD compares: Middle Eastern, 0.033%; no homozygotes.

Submissions (3):

Labcorp Genetics (formerly Invitae), Labcorp
Classification: Likely benign. Last evaluated: 2024-10-15. Review status: criteria provided, single submitter. Criteria: Invitae Variant Classification Sherloc (09022015). Collection method: clinical testing. Allele origin: germline.

CeGaT Center for Human Genetics Tuebingen
Classification: Likely benign. Last evaluated: 2024-06-01. Review status: criteria provided, single submitter. Criteria: CeGaT Center For Human Genetics Tuebingen Variant Classification Criteria Version 2. Collection method: clinical testing. Allele origin: germline. Affected: yes. Observed: 1 variant allele.
Comment: SEPTIN9: BP4, BP7

Blueprint Genetics
Classification: Likely benign. Last evaluated: 2024-03-14. Review status: criteria provided, single submitter. Criteria: ACMG Guidelines, 2015. Collection method: clinical testing. Allele origin: germline.